The following is an entry in ClinVar:

NM_024642.5(GALNT12):c.1035+7A>G

Gene: GALNT12 (polypeptide N-acetylgalactosaminyltransferase 12; plus strand). Cytogenetic location: 9q22.33.
Variant type: single nucleotide variant.
Coding change: c.1035+7A>G on transcript NM_024642.5 (MANE Select); 7 bases into the intron after coding-DNA position 1035, A replaced by G.
Molecular consequence: intron variant.
Genome position (GRCh38, 1-based): chr9:98,835,373, A>G. VCF-style: chr9-98835373-A-G. GRCh37 (hg19) VCF-style: chr9-101597655-A-G.
Identifiers: ClinVar variation 774031 (VCV000774031.12), dbSNP rs139783517, ClinGen allele CA5154141.

ClinVar aggregate classification (germline): Likely benign. Review status: criteria provided, multiple submitters, no conflicts (2 of 4 stars). 2 submissions from 2 submitters: Likely benign (2). Last evaluated 2026-04-21.

Conditions:
Colorectal cancer, susceptibility to, 1. Also called: COLORECTAL ADENOMA AND CANCER, SUSCEPTIBILITY TO; COLORECTAL CANCER, SUSCEPTIBILITY TO, ON CHROMOSOME 9. Identifiers: MedGen C1837315, MONDO:0012132, OMIM 608812.

Allele frequency attached by ClinVar (database versions not stated): gnomAD exomes below 0.00001 and 0.00002; gnomAD 0.00006; 1000 Genomes Project 0.00020; TOPMed 0.00004; 1000 Genomes Project 30x 0.00031; ExAC 0.00002.

Submissions (2):

Myriad Genetics, Inc.
Classification: Likely benign for Colorectal cancer, susceptibility to, 1. Last evaluated: 2026-04-21. Review status: criteria provided, single submitter. Criteria: Myriad Autosomal Dominant, Autosomal Recessive and X-Linked Classification Criteria (2023). Collection method: clinical testing. Allele origin: unknown.
Comment: This variant is considered likely benign. This variant is intronic and is not expected to impact mRNA splicing.

Labcorp Genetics (formerly Invitae), Labcorp
Classification: Likely benign. Last evaluated: 2024-12-09. Review status: criteria provided, single submitter. Criteria: Invitae Variant Classification Sherloc (09022015). Collection method: clinical testing. Allele origin: germline.